The following is an entry in ClinVar:

ClinVar aggregate classification (germline): Uncertain significance (1 of 4 stars; one submission).

Allele frequency attached by ClinVar (database versions not stated): gnomAD exomes below 0.00001 and 0.00001; gnomAD 0.00001; TOPMed 0.00001.
gnomAD v4.1: 14 of 1,594,828 alleles (0.00088%); highest among the groups gnomAD compares: Non-Finnish European, 0.0012%; no homozygotes.

Submission:

Labcorp Genetics (formerly Invitae), Labcorp
Classification: Uncertain significance. Last evaluated: 2024-09-06. Review status: criteria provided, single submitter. Criteria: Invitae Variant Classification Sherloc (09022015). Collection method: clinical testing. Allele origin: germline.
Comment: This sequence change replaces lysine, which is basic and polar, with asparagine, which is neutral and polar, at codon 514 of the SMARCD2 protein (p.Lys514Asn). This variant also falls at the last nucleotide of exon 12, which is part of the consensus splice site for this exon. The frequency data for this variant in the population databases is considered unreliable, as metrics indicate poor data quality at this position in the gnomAD database. This variant has not been reported in the literature in individuals affected with SMARCD2-related conditions. ClinVar contains an entry for this variant (Variation ID: 1484321). An algorithm developed to predict the effect of missense changes on protein structure and function (PolyPhen-2) suggests that this variant is likely to be disruptive. Variants that disrupt the consensus splice site are a relatively common cause of aberrant splicing (PMID: 17576681, 9536098). Algorithms developed to predict the effect of sequence changes on RNA splicing suggest that this variant may disrupt the consensus splice site. In summary, the available evidence is currently insufficient to determine the role of this variant in disease. Therefore, it has been classified as a Variant of Uncertain Significance.

Literature cited by the submitters: PubMed 17576681; PubMed 9536098.

NM_001098426.2(SMARCD2):c.1542G>T (p.Lys514Asn)

Gene: SMARCD2 (SWI/SNF related BAF chromatin remodeling complex subunit D2; minus strand). Cytogenetic location: 17q23.3.
Variant type: single nucleotide variant.
Coding change: c.1542G>T on transcript NM_001098426.2 (MANE Select); coding-DNA position 1542, G replaced by T.
Protein change: p.Lys514Asn; replaces lysine 514 with asparagine.
Molecular consequence: missense variant.
Genome position (GRCh38, 1-based): chr17:63,833,069, C>A on the plus strand (G>T on the coding strand, the complement: SMARCD2 is on the minus strand). VCF-style: chr17-63833069-C-A. GRCh37 (hg19) VCF-style: chr17-61910429-C-A.
Other names: c.1317G>T, p.Lys439Asn (NM_001330439.1); c.1398G>T, p.Lys466Asn (NM_001330440.2); short protein forms K439N, K514N, K466N.
Identifiers: ClinVar variation 1484321 (VCV001484321.6), dbSNP rs1168338705, ClinGen allele CA400597566.